The following is an entry in ClinVar:

NM_001244008.2(KIF1A):c.353T>A (p.Ile118Asn)

Gene: KIF1A (kinesin family member 1A; minus strand). Cytogenetic location: 2q37.3.
Variant type: single nucleotide variant.
Coding change: c.353T>A on transcript NM_001244008.2 (MANE Select); coding-DNA position 353, T replaced by A.
Protein change: p.Ile118Asn; replaces isoleucine 118 with asparagine.
Molecular consequence: missense variant.
Genome position (GRCh38, 1-based): chr2:240,788,061, A>T on the plus strand (T>A on the coding strand, the complement: KIF1A is on the minus strand). VCF-style: chr2-240788061-A-T. GRCh37 (hg19) VCF-style: chr2-241727478-A-T.
Other names: c.353T>A, p.Ile118Asn (NM_001320705.2, NM_001330289.2, NM_001330290.2 and 21 more transcripts); short protein forms I118N.
Identifiers: ClinVar variation 2942518 (VCV002942518.3), dbSNP rs2538435708, ClinGen allele CA351309976.

ClinVar aggregate classification (germline): Uncertain significance (1 of 4 stars; one submission).

Conditions:
Neuropathy, hereditary sensory, type 2C. Also called: KIF1A-Related HSAN2 (HSAN2C); Hereditary sensory and autonomic neuropathy type IIC. Identifiers: Orphanet 970, MedGen C3280168, MONDO:0013634, OMIM 614213.
Hereditary spastic paraplegia 30. Identifiers: Orphanet 101010, MedGen C5235139, MONDO:0012476.
Intellectual disability, autosomal dominant 9 (NESCAVS). Also called: NESCAV SYNDROME; KIF1A-Related Neurodevelopmental Disorder. Identifiers: Orphanet 662367, MedGen C5393830, MONDO:0013656, OMIM 614255.

Submission:

Labcorp Genetics (formerly Invitae), Labcorp
Classification: Uncertain significance for Hereditary spastic paraplegia 30; Neuropathy, hereditary sensory, type 2C; Intellectual disability, autosomal dominant 9. Last evaluated: 2022-12-20. Review status: criteria provided, single submitter. Criteria: Invitae Variant Classification Sherloc (09022015). Collection method: clinical testing. Allele origin: germline.
Comment: This sequence change replaces isoleucine, which is neutral and non-polar, with asparagine, which is neutral and polar, at codon 118 of the KIF1A protein (p.Ile118Asn). This variant is not present in population databases (gnomAD no frequency). This variant has not been reported in the literature in individuals affected with KIF1A-related conditions. Advanced modeling of protein sequence and biophysical properties (such as structural, functional, and spatial information, amino acid conservation, physicochemical variation, residue mobility, and thermodynamic stability) performed at Invitae indicates that this missense variant is expected to disrupt KIF1A protein function. In summary, the available evidence is currently insufficient to determine the role of this variant in disease. Therefore, it has been classified as a Variant of Uncertain Significance.